The following is an entry in ClinVar:

ClinVar aggregate classification (germline): Uncertain significance (1 of 4 stars; one submission).

Allele frequency attached by ClinVar (database versions not stated): gnomAD exomes below 0.00001 and 0.00002; TOPMed below 0.00001; gnomAD 0.00001.
gnomAD v4.1: 28 of 1,614,070 alleles (0.0017%); highest among the groups gnomAD compares: Non-Finnish European, 0.0023%; no homozygotes.

Submission:

GeneDx
Classification: Uncertain significance. Last evaluated: 2021-02-03. Review status: criteria provided, single submitter. Criteria: GeneDx Variant Classification Process June 2021. Collection method: clinical testing. Allele origin: germline. Affected: yes.
Comment: Has not been previously published as pathogenic or benign to our knowledge; In silico analysis, which includes protein predictors and evolutionary conservation, supports that this variant does not alter protein structure/function

NM_000488.4(SERPINC1):c.961G>A (p.Glu321Lys)

Gene: SERPINC1 (serpin family C member 1; minus strand). Cytogenetic location: 1q25.1.
Variant type: single nucleotide variant.
Coding change: c.961G>A on transcript NM_000488.4 (MANE Select); coding-DNA position 961, G replaced by A.
Protein change: p.Glu321Lys; replaces glutamic acid 321 with lysine.
Molecular consequence: missense variant.
Genome position (GRCh38, 1-based): chr1:173,909,744, C>T on the plus strand (G>A on the coding strand, the complement: SERPINC1 is on the minus strand). VCF-style: chr1-173909744-C-T. GRCh37 (hg19) VCF-style: chr1-173878882-C-T.
Other names: c.817G>A, p.Glu273Lys (NM_001365052.2); c.1084G>A, p.Glu362Lys (NM_001386302.1); c.1042G>A, p.Glu348Lys (NM_001386303.1); c.940G>A, p.Glu314Lys (NM_001386304.1); c.904G>A, p.Glu302Lys (NM_001386305.1); c.745G>A, p.Glu249Lys (NM_001386306.1); short protein forms E249K, E273K, E302K, E314K, E321K, E348K, E362K.
Identifiers: ClinVar variation 1312055 (VCV001312055.2), dbSNP rs1210937889, ClinGen allele CA343774085.